The following is an entry in ClinVar:

NM_005235.3(ERBB4):c.3136-92C>T

Gene: ERBB4 (erb-b2 receptor tyrosine kinase 4; minus strand). Cytogenetic location: 2q34.
Variant type: single nucleotide variant.
Coding change: c.3136-92C>T on transcript NM_005235.3 (MANE Select); 92 bases into the intron before coding-DNA position 3136, C replaced by T.
Molecular consequence: intron variant.
Genome position (GRCh38, 1-based): chr2:211,388,084, G>A on the plus strand (C>T on the coding strand, the complement: ERBB4 is on the minus strand). VCF-style: chr2-211388084-G-A. GRCh37 (hg19) VCF-style: chr2-212252809-G-A.
Other names: c.3136-934C>T (NM_001042599.2); c.3106-934C>T (NM_001439006.1); c.3106-92C>T (NM_001439005.1).
Identifiers: ClinVar variation 1229651 (VCV001229651.6), dbSNP rs934607, ClinGen allele CA11171207.

ClinVar aggregate classification (germline): Benign. Review status: criteria provided, multiple submitters, no conflicts (2 of 4 stars). 3 submissions from 3 submitters: Benign (3). Last evaluated 2024-07-15.

Allele frequency attached by ClinVar (database versions not stated): gnomAD 0.63577 and 0.63010; TOPMed 0.63889; 1000 Genomes Project 30x 0.67801; 1000 Genomes Project 0.68111; gnomAD exomes 0.62321.
gnomAD v4.1: 588,363 of 941,572 alleles (62%); highest among the groups gnomAD compares: East Asian, 75%; 187,041 homozygotes.

Submissions (3):

Unidad de Genómica Garrahan, Hospital de Pediatría Garrahan
Classification: Benign. Last evaluated: 2024-07-15. Review status: criteria provided, single submitter. Criteria: ACMG Guidelines, 2015. Collection method: clinical testing. Allele origin: germline. Affected: no. Observed: 77 variant alleles.
Comment: This variant is classified as Benign based on local population frequency. This variant was detected in 83% of patients studied in a panel designed for Epileptic and Developmental Encephalopathy and Progressive Myoclonus Epilepsy. Number of patients: 77. Only high quality variants are reported.

GeneDx
Classification: Benign. Last evaluated: 2021-05-11. Review status: criteria provided, single submitter. Criteria: GeneDx Variant Classification Process June 2021. Collection method: clinical testing. Allele origin: germline. Affected: yes.

Breakthrough Genomics
Classification: Benign. Review status: criteria provided, single submitter. Criteria: ACMG Guidelines, 2015. Collection method: not provided. Allele origin: germline. Inheritance: Autosomal dominant inheritance. Affected: yes.